The following is an entry in ClinVar:

NM_001122955.4(BSCL2):c.630+1G>T

Genes: BSCL2 (BSCL2 lipid droplet biogenesis associated, seipin; minus strand), HNRNPUL2-BSCL2 (HNRNPUL2-BSCL2 readthrough (NMD candidate); minus strand). Cytogenetic location: 11q12.3.
Variant type: single nucleotide variant.
Coding change: c.630+1G>T on transcript NM_001122955.4 (MANE Select); the canonical splice donor site of the intron after coding-DNA position 630, G replaced by T.
Molecular consequence: splice donor variant.
Genome position (GRCh38, 1-based): chr11:62,694,567, C>A on the plus strand (G>T on the coding strand, the complement: BSCL2 is on the minus strand). VCF-style: chr11-62694567-C-A. GRCh37 (hg19) VCF-style: chr11-62462039-C-A.
Other names: c.438+1G>T (NM_001130702.2, NM_032667.6); c.630+1G>T (NM_001386028.1, NM_001386027.1).
Identifiers: ClinVar variation 4532106 (VCV004532106.1).

ClinVar aggregate classification (germline): Pathogenic (1 of 4 stars; one submission).

Conditions:
Congenital generalized lipodystrophy type 2 (CGL2). Also called: BERARDINELLI SYNDROME; BRUNZELL SYNDROME, BSCL2-RELATED; Berardinelli-Seip Congenital Lipodystrophy Type 2; SEIP SYNDROME. Identifiers: Orphanet 528, Orphanet 696289, MedGen C1720863, MONDO:0010020, OMIM 269700.

Submission:

Victorian Clinical Genetics Services, Murdoch Childrens Research Institute
Classification: Pathogenic for Congenital generalized lipodystrophy type 2. Last evaluated: 2025-11-11. Review status: criteria provided, single submitter. Criteria: ACMG Guidelines, 2015. Collection method: clinical testing. Allele origin: germline. Affected: yes.
Comment: This variant is classified as Pathogenic. Evidence in support of pathogenic classification: Canonical splice site variant without proven consequence on splicing (no functional evidence available); Variant is absent from gnomAD (v2, v3 and v4); Another canonical splice variant comparable to the one identified in this case has moderate previous evidence for pathogenicity. c.630+1G>A has been reported in multiple homozygous individuals with congenital generalised lipodystrophy, type 2 (PMIDs: 11479539, 27144933); Abnormal splicing is predicted by in silico tool and affected nucleotide is highly conserved; Very strong and specific phenotype match for this individual. Additional information: This variant is homozygous; This gene is associated with both recessive and dominant disease; Alternative nucleotide change(s) at the same canonical splice site are present in gnomAD (highest alelle count v4: 4 heterozygote(s), 0 homozygote(s); This variant has no previous evidence of pathogenicity; No published evidence of segregation with disease has been identified for this variant; No published functional evidence has been identified for this variant; Loss of function and gain of function are known mechanisms of disease in this gene. Loss of function has been associated encephalopathy, progressive, with or without lipodystrophy (MIM#615924) and lipodystrophy, congenital generalized, type 2 (MIM#269700). A gain of function mechanism has been associated with neuropathy, distal hereditary motor, type VC (MIM#619112) and Silver spastic paraplegia syndrome (MIM#270685; PMID: 14981520).

Literature cited by the submitters: PubMed 11479539; PubMed 27144933; PubMed 14981520.